The following is an entry in ClinVar:

ClinVar aggregate classification (germline): Uncertain significance (1 of 4 stars; one submission).

Conditions:
Developmental and epileptic encephalopathy, 12 (DEE12). Identifiers: MedGen C3150988, MONDO:0013389, OMIM 613722.

Allele frequency attached by ClinVar (database versions not stated): gnomAD exomes 0.00001 and 0.00002; TOPMed 0.00001; gnomAD 0.00002.
gnomAD v4.1: 34 of 1,613,758 alleles (0.0021%); highest among the groups gnomAD compares: Non-Finnish European, 0.0025%; no homozygotes.

Submission:

Labcorp Genetics (formerly Invitae), Labcorp
Classification: Uncertain significance for Developmental and epileptic encephalopathy, 12. Last evaluated: 2021-12-01. Review status: criteria provided, single submitter. Criteria: Invitae Variant Classification Sherloc (09022015). Collection method: clinical testing. Allele origin: germline.
Comment: This variant has not been reported in the literature in individuals affected with PNKP-related conditions. In summary, the available evidence is currently insufficient to determine the role of this variant in disease. Therefore, it has been classified as a Variant of Uncertain Significance. Algorithms developed to predict the effect of missense changes on protein structure and function (SIFT, PolyPhen-2, Align-GVGD) all suggest that this variant is likely to be disruptive. This variant is present in population databases (no rsID available, gnomAD 0.002%). This sequence change replaces proline, which is neutral and non-polar, with leucine, which is neutral and non-polar, at codon 374 of the PNKP protein (p.Pro374Leu).

NM_007254.4(PNKP):c.1121C>T (p.Pro374Leu)

Gene: PNKP (polynucleotide kinase 3'-phosphatase; minus strand). Cytogenetic location: 19q13.33.
Variant type: single nucleotide variant.
Coding change: c.1121C>T on transcript NM_007254.4 (MANE Select); coding-DNA position 1121, C replaced by T.
Protein change: p.Pro374Leu; replaces proline 374 with leucine.
Molecular consequence: missense variant.
Genome position (GRCh38, 1-based): chr19:49,862,190, G>A on the plus strand (C>T on the coding strand, the complement: PNKP is on the minus strand). VCF-style: chr19-49862190-G-A. GRCh37 (hg19) VCF-style: chr19-50365447-G-A.
Other names: short protein forms P374L.
Identifiers: ClinVar variation 1362237 (VCV001362237.6), dbSNP rs1391995905, ClinGen allele CA406879422.
Genomic context (GRCh38, chr19:49,862,190, plus strand): 5'-GTGGCCTAGGACCCAGGCGGGGCTCAGGGCACGCGCACAGGAACAGGACACTTACCCCCA[G>A]GGAATCCCACTGCGACAACCACCTCCGGGCTGGCGCTCAGGAGGGCCCTGGACTCGGGGA-3'
Protein context (NP_009185.2, residues 364-384): SPEVVVAVGF[Pro374Leu]GAGKSTFLKK